The following is an entry in ClinVar:

NM_024642.5(GALNT12):c.140C>A (p.Ala47Asp)

Gene: GALNT12 (polypeptide N-acetylgalactosaminyltransferase 12; plus strand). Cytogenetic location: 9q22.33.
Variant type: single nucleotide variant.
Coding change: c.140C>A on transcript NM_024642.5 (MANE Select); coding-DNA position 140, C replaced by A.
Protein change: p.Ala47Asp; replaces alanine 47 with aspartic acid.
Molecular consequence: missense variant.
Genome position (GRCh38, 1-based): chr9:98,807,838, C>A. VCF-style: chr9-98807838-C-A. GRCh37 (hg19) VCF-style: chr9-101570120-C-A.
Other names: short protein forms A47D.
Identifiers: ClinVar variation 1000245 (VCV001000245.13), dbSNP rs1304764723, ClinGen allele CA374222383.

ClinVar aggregate classification (germline): Uncertain significance. Review status: criteria provided, multiple submitters, no conflicts (2 of 4 stars). 3 submissions from 3 submitters: Uncertain significance (3). Last evaluated 2024-09-30.

Conditions:
Colorectal cancer, susceptibility to, 1. Also called: COLORECTAL ADENOMA AND CANCER, SUSCEPTIBILITY TO; COLORECTAL CANCER, SUSCEPTIBILITY TO, ON CHROMOSOME 9. Identifiers: MedGen C1837315, MONDO:0012132, OMIM 608812.

Allele frequency attached by ClinVar (database versions not stated): TOPMed 0.00001.

Submissions (3):

Ambry Genetics
Classification: Uncertain significance. Last evaluated: 2024-09-30. Review status: criteria provided, single submitter. Criteria: Ambry Variant Classification Scheme 2023. Collection method: clinical testing. Allele origin: germline.
Comment: The p.A47D variant (also known as c.140C>A), located in coding exon 1 of the GALNT12 gene, results from a C to A substitution at nucleotide position 140. The alanine at codon 47 is replaced by aspartic acid, an amino acid with dissimilar properties. This amino acid position is not well conserved in available vertebrate species. In addition, this alteration is predicted to be tolerated by in silico analysis. Since supporting evidence is limited at this time, the clinical significance of this alteration remains unclear.

Fulgent Genetics
Classification: Uncertain significance for Colorectal cancer, susceptibility to, 1. Last evaluated: 2024-02-16. Review status: criteria provided, single submitter. Criteria: ACMG Guidelines, 2015. Collection method: clinical testing. Allele origin: germline.

Labcorp Genetics (formerly Invitae), Labcorp
Classification: Uncertain significance. Last evaluated: 2017-07-12. Review status: criteria provided, single submitter. Criteria: Invitae Variant Classification Sherloc (09022015). Collection method: clinical testing. Allele origin: germline.
Comment: Algorithms developed to predict the effect of missense changes on protein structure and function (SIFT, PolyPhen-2, Align-GVGD) all suggest that this variant is likely to be tolerated, but these predictions have not been confirmed by published functional studies and their clinical significance is uncertain. This variant has not been reported in the literature in individuals with GALNT12-related disease. While this variant is not present in population databases, the frequency information is unreliable, as metrics indicate poor data quality at this position in the ExAC database. This sequence change replaces alanine with aspartic acid at codon 47 of the GALNT12 protein (p.Ala47Asp). The alanine residue is weakly conserved and there is a moderate physicochemical difference between alanine and aspartic acid. In summary, the available evidence is currently insufficient to determine the role of this variant in disease. Therefore, it has been classified as a Variant of Uncertain Significance.